The following is an entry in ClinVar:

NM_012431.3(SEMA3E):c.813+6G>A

Gene: SEMA3E (semaphorin 3E; minus strand). Cytogenetic location: 7q21.11.
Variant type: single nucleotide variant.
Coding change: c.813+6G>A on transcript NM_012431.3 (MANE Select); 6 bases into the intron after coding-DNA position 813, G replaced by A.
Molecular consequence: intron variant.
Genome position (GRCh38, 1-based): chr7:83,407,091, C>T on the plus strand (G>A on the coding strand, the complement: SEMA3E is on the minus strand). VCF-style: chr7-83407091-C-T. GRCh37 (hg19) VCF-style: chr7-83036407-C-T.
Other names: c.813+6G>A (NM_012431.2); c.633+6G>A (NM_001178129.2).
Identifiers: ClinVar variation 2795461 (VCV002795461.4), dbSNP rs745937682, ClinGen allele CA4322208.

ClinVar aggregate classification (germline): Uncertain significance. Review status: criteria provided, single submitter (1 of 4 stars). 2 submissions from 2 submitters: Uncertain significance (1). 1 of the submissions does not count toward it. Last evaluated 2023-01-22.

Conditions:
SEMA3E-related disorder. Also called: SEMA3E-related condition.
CHARGE syndrome (CHARGE). Also called: Hittner Hirsch Kreh syndrome; CHARGE ASSOCIATION--COLOBOMA, HEART ANOMALY, CHOANAL ATRESIA, RETARDATION, GENITAL AND EAR ANOMALIES; Coloboma, heart anomaly, choanal atresia, retardation, genital and ear anomalies; CHARGE association; Hall-Hittner syndrome. Identifiers: Orphanet 138, MedGen C0265354, MONDO:0008965.

Allele frequency attached by ClinVar (database versions not stated): gnomAD exomes below 0.00001; ExAC 0.00001.
gnomAD v4.1: 2 of 1,613,184 alleles (0.00012%); highest among the groups gnomAD compares: Non-Finnish European, 0.00017%; no homozygotes.

Submissions (2):

Labcorp Genetics (formerly Invitae), Labcorp
Classification: Uncertain significance for CHARGE syndrome. Last evaluated: 2023-01-22. Review status: criteria provided, single submitter. Criteria: Invitae Variant Classification Sherloc (09022015). Collection method: clinical testing. Allele origin: germline.
Comment: This sequence change falls in intron 7 of the SEMA3E gene. It does not directly change the encoded amino acid sequence of the SEMA3E protein. It affects a nucleotide within the consensus splice site. In summary, the available evidence is currently insufficient to determine the role of this variant in disease. Therefore, it has been classified as a Variant of Uncertain Significance. Variants that disrupt the consensus splice site are a relatively common cause of aberrant splicing (PMID: 17576681, 9536098). Algorithms developed to predict the effect of sequence changes on RNA splicing suggest that this variant is not likely to affect RNA splicing. This variant has not been reported in the literature in individuals affected with SEMA3E-related conditions. This variant is present in population databases (rs745937682, gnomAD 0.0009%).

PreventionGenetics, part of Exact Sciences
Classification: Likely benign for SEMA3E-related condition. Last evaluated: 2023-08-24. Review status: no assertion criteria provided. Collection method: clinical testing. Allele origin: germline. Not counted in ClinVar's aggregate classification.
Comment: This variant is classified as likely benign based on ACMG/AMP sequence variant interpretation guidelines (Richards et al. 2015 PMID: 25741868, with internal and published modifications).

Literature cited by the submitters: PubMed 17576681 (cited by Labcorp Genetics (formerly Invitae), Labcorp); PubMed 9536098 (cited by Labcorp Genetics (formerly Invitae), Labcorp).